The following is an entry in ClinVar:

ClinVar aggregate classification (germline): Uncertain significance (1 of 4 stars; one submission).

Allele frequency attached by ClinVar (database versions not stated): gnomAD 0.00003.
gnomAD v4.1: 80 of 1,612,438 alleles (0.005%); highest among the groups gnomAD compares: Non-Finnish European, 0.0059%; no homozygotes.

Submission:

Labcorp Genetics (formerly Invitae), Labcorp
Classification: Uncertain significance. Last evaluated: 2025-05-12. Review status: criteria provided, single submitter. Criteria: Invitae Variant Classification Sherloc (09022015). Collection method: clinical testing. Allele origin: germline.
Comment: This sequence change replaces threonine, which is neutral and polar, with methionine, which is neutral and non-polar, at codon 211 of the ADAMTS17 protein (p.Thr211Met). This variant is present in population databases (rs775686481, gnomAD 0.009%). This variant has not been reported in the literature in individuals affected with ADAMTS17-related conditions. ClinVar contains an entry for this variant (Variation ID: 1914038). An algorithm developed to predict the effect of missense changes on protein structure and function (PolyPhen-2) suggests that this variant is likely to be tolerated. In summary, the available evidence is currently insufficient to determine the role of this variant in disease. Therefore, it has been classified as a Variant of Uncertain Significance.

NM_139057.4(ADAMTS17):c.632C>T (p.Thr211Met)

Gene: ADAMTS17 (ADAM metallopeptidase with thrombospondin type 1 motif 17; minus strand). Cytogenetic location: 15q26.3.
Variant type: single nucleotide variant.
Coding change: c.632C>T on transcript NM_139057.4 (MANE Select); coding-DNA position 632, C replaced by T.
Protein change: p.Thr211Met; replaces threonine 211 with methionine.
Molecular consequence: missense variant.
Genome position (GRCh38, 1-based): chr15:100,281,386, G>A on the plus strand (C>T on the coding strand, the complement: ADAMTS17 is on the minus strand). VCF-style: chr15-100281386-G-A. GRCh37 (hg19) VCF-style: chr15-100821591-G-A.
Other names: short protein forms T211M.
Identifiers: ClinVar variation 1914038 (VCV001914038.4), dbSNP rs775686481, ClinGen allele CA7758637.